The following is an entry in ClinVar:

ClinVar aggregate classification (germline): Likely pathogenic. Review status: reviewed by expert panel (3 of 4 stars). 3 submissions from 3 submitters: Likely pathogenic (1). 2 of the submissions do not count toward it. Last evaluated 2023-04-14.

Conditions:
CDKL5 disorder. Identifiers: MedGen CN296942, MONDO:0100039.
Developmental and epileptic encephalopathy, 2 (DEE2). Also called: INFANTILE SPASM SYNDROME, X-LINKED 2; CDKL5 deficiency disorder. Identifiers: Orphanet 1934, Orphanet 3451, Orphanet 505652, MedGen C4750718, MONDO:0010396, OMIM 300672.
Angelman syndrome-like. Identifiers: MedGen CN128785.

Submissions (3):

ClinGen Rett and Angelman-like Disorders Variant Curation Expert Panel
Classification: Likely pathogenic for CDKL5 disorder. Last evaluated: 2023-04-14. Review status: reviewed by expert panel. Criteria: ClinGen RettAS ACMG Specifications V2. Collection method: curation. Allele origin: germline. Inheritance: X-linked inheritance.
Comment: The p.Leu97Pro variant in CDKL5 is absent from gnomAD (PM2_supporting). Computational prediction analysis tools suggests a deleterious impact; however, this information does not predict clinical significance on its own (PP3). In summary, the p.Leu97Pro variant in CDKL5 is classified as likely pathogenic for a CDKL5-related disorder based on the ACMG/AMP criteria (PS2, PM2_supporting, PP3).

Labcorp Genetics (formerly Invitae), Labcorp
Classification: Pathogenic for Developmental and epileptic encephalopathy, 2; Angelman syndrome-like. Last evaluated: 2021-04-15. Review status: criteria provided, single submitter. Criteria: Invitae Variant Classification Sherloc (09022015). Collection method: clinical testing. Allele origin: germline. Not counted in ClinVar's aggregate classification.
Comment: Advanced modeling of protein sequence and biophysical properties (such as structural, functional, and spatial information, amino acid conservation, physicochemical variation, residue mobility, and thermodynamic stability) performed at Invitae indicates that this missense variant is expected to disrupt CDKL5 protein function. This variant has been observed in individual(s) with clinical features of CDKL5-related conditions (Invitae, external communication). In at least one individual the variant was observed to be de novo. ClinVar contains an entry for this variant (Variation ID: 870171). This variant is not present in population databases (ExAC no frequency). This sequence change replaces leucine with proline at codon 97 of the CDKL5 protein (p.Leu97Pro). The leucine residue is highly conserved and there is a moderate physicochemical difference between leucine and proline. For these reasons, this variant has been classified as Pathogenic.

Laboratory of Inherited Metabolic Diseases, Research centre for medical genetics
Classification: Likely pathogenic for Developmental and epileptic encephalopathy, 2. Last evaluated: 2020-02-14. Review status: criteria provided, single submitter. Criteria: ACMG Guidelines, 2015. Collection method: clinical testing. Allele origin: de novo. Inheritance: X-linked inheritance. Affected: yes. Not counted in ClinVar's aggregate classification.

NM_001323289.2(CDKL5):c.290T>C (p.Leu97Pro)

Gene: CDKL5 (cyclin dependent kinase like 5; plus strand). Cytogenetic location: Xp22.13.
Variant type: single nucleotide variant.
Coding change: c.290T>C on transcript NM_001323289.2 (MANE Select); coding-DNA position 290, T replaced by C.
Protein change: p.Leu97Pro; replaces leucine 97 with proline.
Molecular consequence: missense variant.
Genome position (GRCh38, 1-based): chrX:18,579,855, T>C. VCF-style: chrX-18579855-T-C. GRCh37 (hg19) VCF-style: chrX-18597975-T-C.
Other names: NM_001323289.2(CDKL5):c.290T>C; c.290T>C, p.Leu97Pro (NM_001037343.2, NM_003159.3); short protein forms L97P.
Identifiers: ClinVar variation 870171 (VCV000870171.10), dbSNP rs1925418549, ClinGen allele CA412349776.